The following is an entry in ClinVar:

NM_001908.5(CTSB):c.781C>T (p.Leu261Phe)

Gene: CTSB (cathepsin B). Cytogenetic location: 8p23.1.
Variant type: single nucleotide variant.
Coding change: c.781C>T on transcript NM_001908.5 (MANE Select); coding-DNA position 781, C replaced by T.
Protein change: p.Leu261Phe; replaces leucine 261 with phenylalanine.
Molecular consequence: missense variant.
Genome position (GRCh38, 1-based): chr8:11,847,064, G>A on the plus strand (C>T on the coding strand, the complement: CTSB is on the minus strand). VCF-style: chr8-11847064-G-A. GRCh37 (hg19) VCF-style: chr8-11704573-G-A.
Other names: c.409C>T, p.Leu137Phe (NM_001317237.2); c.781C>T, p.Leu261Phe (NM_001384714.1, NM_001384723.1, NM_001384724.1 and 8 more transcripts); short protein forms L137F, L261F.
Identifiers: ClinVar variation 1391849 (VCV001391849.6), dbSNP rs375885162, ClinGen allele CA4632537.

ClinVar aggregate classification (germline): Uncertain significance (1 of 4 stars; one submission).

Allele frequency attached by ClinVar (database versions not stated): ExAC 0.00010; gnomAD 0.00011; gnomAD exomes 0.00014; ESP Exome Variant Server 0.00015; TOPMed 0.00016; 1000 Genomes Project 0.00020; 1000 Genomes Project 30x 0.00031.

Submission:

Labcorp Genetics (formerly Invitae), Labcorp
Classification: Uncertain significance. Last evaluated: 2022-08-09. Review status: criteria provided, single submitter. Criteria: Invitae Variant Classification Sherloc (09022015). Collection method: clinical testing. Allele origin: germline.
Comment: ClinVar contains an entry for this variant (Variation ID: 1391849). This variant has not been reported in the literature in individuals affected with CTSB-related conditions. This variant is present in population databases (rs375885162, gnomAD 0.03%), and has an allele count higher than expected for a pathogenic variant. This sequence change replaces leucine, which is neutral and non-polar, with phenylalanine, which is neutral and non-polar, at codon 261 of the CTSB protein (p.Leu261Phe). Algorithms developed to predict the effect of missense changes on protein structure and function are either unavailable or do not agree on the potential impact of this missense change (SIFT: "Not Available"; PolyPhen-2: "Benign"; Align-GVGD: "Not Available"). In summary, the available evidence is currently insufficient to determine the role of this variant in disease. Therefore, it has been classified as a Variant of Uncertain Significance.